The following is an entry in ClinVar:

NM_001063.4(TF):c.441G>A (p.Trp147Ter)

Gene: TF (transferrin; plus strand). Cytogenetic location: 3q22.1.
Variant type: single nucleotide variant.
Coding change: c.441G>A on transcript NM_001063.4 (MANE Select); coding-DNA position 441, G replaced by A.
Protein change: p.Trp147Ter; replaces tryptophan 147 with a stop codon.
Molecular consequence: nonsense.
Genome position (GRCh38, 1-based): chr3:133,754,610, G>A. VCF-style: chr3-133754610-G-A. GRCh37 (hg19) VCF-style: chr3-133473454-G-A.
Other names: c.309G>A, p.Trp103Ter (NM_001354703.2); c.60G>A, p.Trp20Ter (NM_001354704.2); short protein forms W147*, W103*, W20*.
Identifiers: ClinVar variation 5004109 (VCV005004109.1).
Genomic context (GRCh38, chr3:133,754,610, plus strand): 5'-GATGAACCAGCTTCGAGGCAAGAAGTCCTGCCACACGGGTCTAGGCAGGTCCGCTGGGTG[G>A]AACATCCCCATAGGCTTACTTTACTGTGACTTACCTGAGCCACGTAAACCTCTTGAGAAA-3'

ClinVar aggregate classification (germline): Pathogenic (1 of 4 stars; one submission).

Conditions:
Atransferrinemia. Also called: Familial hypotransferrinemia. Identifiers: Orphanet 1195, MedGen C0521802, MONDO:0008846, OMIM 209300, HP:0012239.

Submission:

Myriad Genetics, Inc.
Classification: Pathogenic for Atransferrinemia. Last evaluated: 2025-08-08. Review status: criteria provided, single submitter. Criteria: Myriad Autosomal Dominant, Autosomal Recessive and X-Linked Classification Criteria (2023). Collection method: clinical testing. Allele origin: unknown.
Comment: NM_001063.3(TF):c.441G>A(W147*) is a nonsense variant classified as pathogenic in the context of atransferrinemia. W147* has not been observed in cases with relevant disease. Relevant functional assessments of this variant are not available in the literature. W147* has not been observed in referenced population frequency databases. In summary, NM_001063.3(TF):c.441G>A(W147*) is a nonsense variant in a gene where loss of function is a known mechanism of disease and is predicted to disrupt protein function. Please note: this variant was assessed in the context of healthy population screening.